The following is an entry in ClinVar:

ClinVar aggregate classification (germline): Conflicting classifications of pathogenicity. Review status: criteria provided, conflicting classifications (1 of 4 stars). 12 submissions from 11 submitters: Uncertain significance (11); Benign (1). Last evaluated 2025-12-19.

Conditions:
Arthrogryposis multiplex congenita 6. Identifiers: MedGen C5543431, MONDO:0030281, OMIM 619334.
Nemaline myopathy 2 (NEM2). Also called: Nemaline myopathy 2, autosomal recessive. Identifiers: MedGen C1850569, MONDO:0009725, OMIM 256030.
Inborn genetic diseases. Identifiers: MedGen C0950123, MeSH D030342.

Allele frequency attached by ClinVar (database versions not stated): gnomAD exomes 0.00004 and 0.00008; ExAC 0.00007; ESP Exome Variant Server 0.00008; gnomAD 0.00014 and 0.00017; TOPMed 0.00017; 1000 Genomes Project 0.00060; 1000 Genomes Project 30x 0.00062.
gnomAD v4.1: 82 of 1,576,746 alleles (0.0052%); highest among the groups gnomAD compares: Middle Eastern, 0.24%; no homozygotes.

Submissions (12):

Labcorp Genetics (formerly Invitae), Labcorp
Classification: Benign for Nemaline myopathy 2. Last evaluated: 2025-12-19. Review status: criteria provided, single submitter. Criteria: Invitae Variant Classification Sherloc (09022015). Collection method: clinical testing. Allele origin: germline.

Genomic Medicine Center of Excellence, King Faisal Specialist Hospital and Research Centre
Classification: Uncertain significance for Nemaline myopathy 2. Last evaluated: 2024-09-22. Review status: criteria provided, single submitter. Criteria: ACMG Guidelines, 2015. Collection method: clinical testing. Allele origin: germline.

Blueprint Genetics
Classification: Uncertain significance. Last evaluated: 2024-08-01. Review status: criteria provided, single submitter. Criteria: ACMG Guidelines, 2015. Collection method: clinical testing. Allele origin: germline.

Revvity Omics, Revvity
Classification: Uncertain significance. Last evaluated: 2022-09-02. Review status: criteria provided, single submitter. Criteria: ACMG Guidelines, 2015. Collection method: clinical testing. Allele origin: germline.

Genome-Nilou Lab
Classification: Uncertain significance for Arthrogryposis multiplex congenita 6. Last evaluated: 2021-07-14. Review status: criteria provided, single submitter. Criteria: ACMG Guidelines, 2015. Collection method: clinical testing. Allele origin: germline. Affected: no.

Genome-Nilou Lab
Classification: Uncertain significance for Nemaline myopathy 2. Last evaluated: 2021-07-14. Review status: criteria provided, single submitter. Criteria: ACMG Guidelines, 2015. Collection method: clinical testing. Allele origin: germline. Affected: no.

Ambry Genetics
Classification: Uncertain significance for Inborn genetic diseases. Last evaluated: 2021-06-21. Review status: criteria provided, single submitter. Criteria: Ambry Variant Classification Scheme 2023. Collection method: clinical testing. Allele origin: germline.

Pars Genome Lab
Classification: Uncertain significance for Nemaline myopathy 2. Last evaluated: 2021-05-18. Review status: criteria provided, single submitter. Criteria: ACMG Guidelines, 2015. Collection method: clinical testing. Allele origin: germline. Affected: no.

Baylor Genetics
Classification: Uncertain significance for Nemaline myopathy 2. Last evaluated: 2019-11-04. Review status: criteria provided, single submitter. Criteria: ACMG Guidelines, 2015. Collection method: clinical testing. Allele origin: unknown. Affected: yes.
Comment: This variant was determined to be of uncertain significance according to ACMG Guidelines, 2015 [PMID:25741868].

Illumina Laboratory Services, Illumina
Classification: Uncertain significance for Nemaline myopathy 2. Last evaluated: 2018-01-12. Review status: criteria provided, single submitter. Criteria: ICSL Variant Classification Criteria 13 December 2019. Collection method: clinical testing. Allele origin: germline.

Eurofins Ntd Llc (ga)
Classification: Uncertain significance. Last evaluated: 2016-08-11. Review status: criteria provided, single submitter. Criteria: EGL Classification Definitions 2015. Collection method: clinical testing. Allele origin: germline. Observed: 2 variant alleles, 2 heterozygotes.

Breakthrough Genomics
Classification: Uncertain significance. Review status: criteria provided, single submitter. Criteria: ACMG Guidelines, 2015. Collection method: not provided. Allele origin: germline. Inheritance: Autosomal recessive inheritance. Affected: yes.

NM_001164508.2(NEB):c.3211A>C (p.Ile1071Leu)

Gene: NEB (nebulin; minus strand). Cytogenetic location: 2q23.3.
Variant type: single nucleotide variant.
Coding change: c.3211A>C on transcript NM_001164508.2 (MANE Select); coding-DNA position 3211, A replaced by C.
Protein change: p.Ile1071Leu; replaces isoleucine 1071 with leucine.
Molecular consequence: missense variant.
Genome position (GRCh38, 1-based): chr2:151,679,765, T>G on the plus strand (A>C on the coding strand, the complement: NEB is on the minus strand). VCF-style: chr2-151679765-T-G. GRCh37 (hg19) VCF-style: chr2-152536279-T-G.
Other names: c.3211A>C, p.Ile1071Leu (NM_001164507.2, NM_001271208.2, NM_004543.5); short protein forms I1071L.
Identifiers: ClinVar variation 289913 (VCV000289913.23), dbSNP rs35194393, ClinGen allele CA1910972.